The following is an entry in ClinVar:

NM_001372.4(DNAH9):c.8366A>G (p.Asn2789Ser)

Gene: DNAH9 (dynein axonemal heavy chain 9; plus strand). Cytogenetic location: 17p12.
Variant type: single nucleotide variant.
Coding change: c.8366A>G on transcript NM_001372.4 (MANE Select); coding-DNA position 8366, A replaced by G.
Protein change: p.Asn2789Ser; replaces asparagine 2789 with serine.
Molecular consequence: missense variant.
Genome position (GRCh38, 1-based): chr17:11,797,739, A>G. VCF-style: chr17-11797739-A-G. GRCh37 (hg19) VCF-style: chr17-11701056-A-G.
Other names: c.8366A>G (NM_001372.3); short protein forms N2789S.
Identifiers: ClinVar variation 2184356 (VCV002184356.4), dbSNP rs145239685, ClinGen allele CA8396900.

ClinVar aggregate classification (germline): Uncertain significance. Review status: criteria provided, multiple submitters, no conflicts (2 of 4 stars). 2 submissions from 2 submitters: Uncertain significance (2). Last evaluated 2025-10-15.

Conditions:
Inborn genetic diseases. Identifiers: MedGen C0950123, MeSH D030342.

Allele frequency attached by ClinVar (database versions not stated): gnomAD exomes 0.00004; ExAC 0.00006; gnomAD 0.00006; TOPMed 0.00006; ESP Exome Variant Server 0.00008.
gnomAD v4.1: 70 of 1,614,106 alleles (0.0043%); highest among the groups gnomAD compares: African/African-American, 0.012%; no homozygotes.

Submissions (2):

Ambry Genetics
Classification: Uncertain significance for Inborn genetic diseases. Last evaluated: 2025-10-15. Review status: criteria provided, single submitter. Criteria: Ambry Variant Classification Scheme 2023. Collection method: clinical testing. Allele origin: germline.

Labcorp Genetics (formerly Invitae), Labcorp
Classification: Uncertain significance. Last evaluated: 2025-07-28. Review status: criteria provided, single submitter. Criteria: Invitae Variant Classification Sherloc (09022015). Collection method: clinical testing. Allele origin: germline.
Comment: This sequence change replaces asparagine, which is neutral and polar, with serine, which is neutral and polar, at codon 2789 of the DNAH9 protein (p.Asn2789Ser). This variant is present in population databases (rs145239685, gnomAD 0.02%). This variant has not been reported in the literature in individuals affected with DNAH9-related conditions. ClinVar contains an entry for this variant (Variation ID: 2184356). Invitae Evidence Modeling of protein sequence and biophysical properties (such as structural, functional, and spatial information, amino acid conservation, physicochemical variation, residue mobility, and thermodynamic stability) indicates that this missense variant is not expected to disrupt DNAH9 protein function with a negative predictive value of 80%. In summary, the available evidence is currently insufficient to determine the role of this variant in disease. Therefore, it has been classified as a Variant of Uncertain Significance.